The following is an entry in ClinVar:

NM_020806.5(GPHN):c.1300C>G (p.Gln434Glu)

Gene: GPHN (gephyrin; plus strand). Cytogenetic location: 14q23.3.
Variant type: single nucleotide variant.
Coding change: c.1300C>G on transcript NM_020806.5 (MANE Select); coding-DNA position 1300, C replaced by G.
Protein change: p.Gln434Glu; replaces glutamine 434 with glutamic acid.
Molecular consequence: missense variant.
Genome position (GRCh38, 1-based): chr14:67,110,146, C>G. VCF-style: chr14-67110146-C-G. GRCh37 (hg19) VCF-style: chr14-67576863-C-G.
Other names: c.1201C>G, p.Gln401Glu (NM_001024218.2); c.1360C>G, p.Gln454Glu (NM_001377514.1); c.1330C>G, p.Gln444Glu (NM_001377515.1); c.1321C>G, p.Gln441Glu (NM_001377516.1); c.1273C>G, p.Gln425Glu (NM_001377517.1); c.1258C>G, p.Gln420Glu (NM_001377518.1); c.1240C>G, p.Gln414Glu (NM_001377519.1); short protein forms Q444E, Q420E, Q441E, Q401E, Q425E, Q414E, Q434E, Q454E.
Identifiers: ClinVar variation 1423306 (VCV001423306.4), dbSNP rs770441465, ClinGen allele CA7234059.
Genomic context (GRCh38, chr14:67,110,146, plus strand): 5'-TTTTCCTTTGCAGCAGCAAAGTACATCAACTGTCTTTTTCATCTTTATTTCCAGCCAACT[C>G]AGACAGTAATGCCAGGACAAGTCATGCGGGTTACAACAGGTGCTCCAATACCCTGCGGTG-3'
Protein context (NP_065857.1, residues 424-444): GESQAGEQPT[Gln434Glu]TVMPGQVMRV

ClinVar aggregate classification (germline): Uncertain significance (1 of 4 stars; one submission).

Conditions:
Sulfite oxidase deficiency due to molybdenum cofactor deficiency type C. Also called: Molybdenum cofactor deficiency, complementation group C; Molybdenum cofactor deficiency C. Identifiers: Orphanet 308400, Orphanet 833, MedGen C1854990, MONDO:0014212, OMIM 615501.

Allele frequency attached by ClinVar (database versions not stated): gnomAD exomes below 0.00001 and 0.00001; TOPMed below 0.00001; ExAC 0.00001.
gnomAD v4.1: 4 of 1,613,268 alleles (0.00025%); highest among the groups gnomAD compares: East Asian, 0.0045%; no homozygotes.

Submission:

Labcorp Genetics (formerly Invitae), Labcorp
Classification: Uncertain significance for Sulfite oxidase deficiency due to molybdenum cofactor deficiency type C. Last evaluated: 2025-02-27. Review status: criteria provided, single submitter. Criteria: Invitae Variant Classification Sherloc (09022015). Collection method: clinical testing. Allele origin: germline.
Comment: This sequence change replaces glutamine, which is neutral and polar, with glutamic acid, which is acidic and polar, at codon 434 of the GPHN protein (p.Gln434Glu). This variant is present in population databases (rs770441465, gnomAD 0.01%). This variant has not been reported in the literature in individuals affected with GPHN-related conditions. ClinVar contains an entry for this variant (Variation ID: 1423306). Invitae Evidence Modeling of protein sequence and biophysical properties (such as structural, functional, and spatial information, amino acid conservation, physicochemical variation, residue mobility, and thermodynamic stability) indicates that this missense variant is not expected to disrupt GPHN protein function with a negative predictive value of 80%. In summary, the available evidence is currently insufficient to determine the role of this variant in disease. Therefore, it has been classified as a Variant of Uncertain Significance.